The following is an entry in ClinVar:

NM_001276270.2(MBD4):c.1590G>A (p.Gly530=)

Gene: MBD4 (methyl-CpG binding domain 4, DNA glycosylase; minus strand). Cytogenetic location: 3q21.3.
Variant type: single nucleotide variant.
Coding change: c.1590G>A on transcript NM_001276270.2 (MANE Select); coding-DNA position 1590, G replaced by A.
Protein change: p.Gly530=; no amino-acid change (glycine 530 retained).
Molecular consequence: synonymous variant.
Genome position (GRCh38, 1-based): chr3:129,432,560, C>T on the plus strand (G>A on the coding strand, the complement: MBD4 is on the minus strand). VCF-style: chr3-129432560-C-T. GRCh37 (hg19) VCF-style: chr3-129151403-C-T.
Other names: c.1608G>A, p.Gly536= (NM_001276271.2, NM_001276272.2, NM_003925.3); c.654G>A, p.Gly218= (NM_001276273.2).
Identifiers: ClinVar variation 722362 (VCV000722362.13), dbSNP rs2005619, ClinGen allele CA2605253.

ClinVar aggregate classification (germline): Benign. Review status: criteria provided, multiple submitters, no conflicts (2 of 4 stars). 5 submissions from 5 submitters: Benign (4). 1 of the submissions does not count toward it. Last evaluated 2026-06-12.

Conditions:
Inborn genetic diseases. Identifiers: MedGen C0950123, MeSH D030342.
MBD4-related disorder. Also called: MBD4-related condition.
Tumor predisposition syndrome 2 (TPDS2). Also called: MBD4-Related Tumor Predisposition Syndrome; MBD4-associated neoplasia syndrome (MANS); MBD4-ASSOCIATED NEOPLASIA SYNDROME. Identifiers: Orphanet 661526, MedGen C5774186, MONDO:0859267, OMIM 619975.

Allele frequency attached by ClinVar (database versions not stated): gnomAD exomes 0.00113; ExAC 0.00136; gnomAD 0.00422 and 0.00443; TOPMed 0.00451; ESP Exome Variant Server 0.00469; 1000 Genomes Project 0.00639; 1000 Genomes Project 30x 0.00687.
gnomAD v4.1: 1,216 of 1,614,132 alleles (0.075%); highest among the groups gnomAD compares: African/African-American, 1.5%; 8 homozygotes.

Submissions (5):

Myriad Genetics, Inc.
Classification: Benign for Tumor predisposition syndrome 2. Last evaluated: 2026-06-12. Review status: criteria provided, single submitter. Criteria: Myriad Autosomal Dominant, Autosomal Recessive and X-Linked Classification Criteria (2023). Collection method: clinical testing. Allele origin: unknown.
Comment: This variant is considered benign. This variant is a silent/synonymous amino acid change and it is not expected to impact splicing.

Labcorp Genetics (formerly Invitae), Labcorp
Classification: Benign. Last evaluated: 2026-02-04. Review status: criteria provided, single submitter. Criteria: Invitae Variant Classification Sherloc (09022015). Collection method: clinical testing. Allele origin: germline.

Ambry Genetics
Classification: Benign for Inborn genetic diseases. Last evaluated: 2024-10-29. Review status: criteria provided, single submitter. Criteria: Ambry Variant Classification Scheme 2023. Collection method: clinical testing. Allele origin: germline.

ARUP Laboratories, Molecular Genetics and Genomics, ARUP Laboratories
Classification: Benign. Last evaluated: 2023-12-11. Review status: criteria provided, single submitter. Criteria: ARUP Molecular Germline Variant Investigation Process 2024. Collection method: clinical testing. Allele origin: germline.

PreventionGenetics, part of Exact Sciences
Classification: Benign for MBD4-related condition. Last evaluated: 2019-04-11. Review status: no assertion criteria provided. Collection method: clinical testing. Allele origin: germline. Not counted in ClinVar's aggregate classification.
Comment: This variant is classified as benign based on ACMG/AMP sequence variant interpretation guidelines (Richards et al. 2015 PMID: 25741868, with internal and published modifications).